The following is an entry in ClinVar:

NM_005883.3(APC2):c.2432T>C (p.Leu811Pro)

Gene: APC2 (APC regulator of Wnt signaling pathway 2; plus strand). Cytogenetic location: 19p13.3.
Variant type: single nucleotide variant.
Coding change: c.2432T>C on transcript NM_005883.3 (MANE Select); coding-DNA position 2432, T replaced by C.
Protein change: p.Leu811Pro; replaces leucine 811 with proline.
Molecular consequence: missense variant.
Genome position (GRCh38, 1-based): chr19:1,465,733, T>C. VCF-style: chr19-1465733-T-C. GRCh37 (hg19) VCF-style: chr19-1465732-T-C.
Other names: c.2429T>C, p.Leu810Pro (NM_001351273.1); short protein forms L811P, L810P.
Identifiers: ClinVar variation 2041396 (VCV002041396.4), dbSNP rs1409244492, ClinGen allele CA403026341.

ClinVar aggregate classification (germline): Uncertain significance (1 of 4 stars; one submission).

Allele frequency attached by ClinVar (database versions not stated): TOPMed 0.00002.

Submission:

Labcorp Genetics (formerly Invitae), Labcorp
Classification: Uncertain significance. Last evaluated: 2022-06-28. Review status: criteria provided, single submitter. Criteria: Invitae Variant Classification Sherloc (09022015). Collection method: clinical testing. Allele origin: germline.
Comment: This sequence change replaces leucine, which is neutral and non-polar, with proline, which is neutral and non-polar, at codon 811 of the APC2 protein (p.Leu811Pro). This variant is not present in population databases (gnomAD no frequency). This variant has not been reported in the literature in individuals affected with APC2-related conditions. Algorithms developed to predict the effect of missense changes on protein structure and function are either unavailable or do not agree on the potential impact of this missense change (SIFT: "Deleterious"; PolyPhen-2: "Probably Damaging"; Align-GVGD: "Class C0"). In summary, the available evidence is currently insufficient to determine the role of this variant in disease. Therefore, it has been classified as a Variant of Uncertain Significance.